The following is an entry in ClinVar:

NM_003466.4(PAX8):c.92G>A (p.Arg31His)

Genes: PAX8-AS1 (PAX8 antisense RNA 1; plus strand), PAX8 (paired box 8; minus strand). Cytogenetic location: 2q14.1.
Variant type: single nucleotide variant.
Coding change: c.92G>A on transcript NM_003466.4 (MANE Select); coding-DNA position 92, G replaced by A.
Protein change: p.Arg31His; replaces arginine 31 with histidine.
Molecular consequence: missense variant.
Genome position (GRCh38, 1-based): chr2:113,246,853, C>T on the plus strand (G>A on the coding strand, the complement: PAX8 is on the minus strand). VCF-style: chr2-113246853-C-T. GRCh37 (hg19) VCF-style: chr2-114004430-C-T.
Other names: c.92G>A (NM_003466.3); c.92G>A, p.Arg31His (NM_013952.4, NM_013953.4, NM_013992.4); short protein forms R31H.
Identifiers: ClinVar variation 13784 (VCV000013784.4), dbSNP rs104893657, ClinGen allele CA123461.

ClinVar aggregate classification (germline): Pathogenic. Review status: criteria provided, multiple submitters, no conflicts (2 of 4 stars). 3 submissions from 3 submitters: Pathogenic (2). 1 of the submissions does not count toward it. Last evaluated 2024-08-06.

Conditions:
PAX8-related disorder. Also called: PAX8-related condition.
Hypothyroidism, congenital, nongoitrous, 2 (CHNG2). Also called: Hypothyroidism, congenital, due to thyroid dysgenesis or hypoplasia. Identifiers: Orphanet 95712, MedGen C1869118, MONDO:0024264, OMIM 218700.

Submissions (3):

GeneDx
Classification: Pathogenic. Last evaluated: 2024-08-06. Review status: criteria provided, single submitter. Criteria: GeneDx Variant Classification Process June 2021. Collection method: clinical testing. Allele origin: germline. Affected: yes.
Comment: Not observed at significant frequency in large population cohorts (gnomAD); In silico analysis supports that this missense variant has a deleterious effect on protein structure/function; This variant is associated with the following publications: (PMID: 25214233, 33862642, 36884306, 33310921, 9590296, 21689132)

Blueprint Genetics
Classification: Pathogenic for PAX8-related disorders. Last evaluated: 2024-04-17. Review status: criteria provided, single submitter. Criteria: ACMG Guidelines, 2015. Collection method: clinical testing. Allele origin: germline. Affected: yes. Observed: 1 variant allele.

OMIM
Classification: Pathogenic for HYPOTHYROIDISM, CONGENITAL, NONGOITROUS, 2. Last evaluated: 1998-05-01. Review status: no assertion criteria provided. Collection method: literature only. Allele origin: germline. Not counted in ClinVar's aggregate classification.

Literature cited by the submitters: PubMed 9590296 (cited by OMIM).